The following is an entry in ClinVar:

NM_000256.3(MYBPC3):c.177_187del (p.Glu60fs)

Gene: MYBPC3 (myosin binding protein C3; minus strand). Cytogenetic location: 11p11.2.
Variant type: Deletion.
Coding change: c.177_187del on transcript NM_000256.3 (MANE Select); coding-DNA positions 177 to 187, 11 bases deleted (AGAGGGCACAC).
Protein change: p.Glu60fs; shifts the reading frame from glutamic acid 60.
Genome position (GRCh38, 1-based): chr11:47,351,344-47,351,354, GTGTGCCCTCT deleted on the plus strand (AGAGGGCACAC on the coding strand, the reverse complement: MYBPC3 is on the minus strand); deleting any 11 consecutive bases within chr11:47,351,344-47,351,357 gives the same sequence; the c. name uses the placement nearest the transcript's 3' end. VCF-style (leftmost placement, unchanged base first): chr11-47351343-CGTGTGCCCTCT-C. GRCh37 (hg19) VCF-style: chr11-47372894-CGTGTGCCCTCT-C.
Other names: c.177_187delAGAGGGCACAC (NM_000256.3); short protein forms E60fs.
Identifiers: ClinVar variation 42565 (VCV000042565.32), dbSNP rs397515925, ClinGen allele CA011058.

ClinVar aggregate classification (germline): Pathogenic/Likely pathogenic. Review status: criteria provided, multiple submitters, no conflicts (2 of 4 stars). 12 submissions from 12 submitters: Pathogenic (10); Likely pathogenic (1). 1 of the submissions does not count toward it. Last evaluated 2025-12-31.

Conditions:
Sudden unexplained death or survivors of a cardiac event.
Cardiovascular phenotype. Identifiers: MedGen CN230736.
Left ventricular noncompaction 10 (LVNC10). Identifiers: Orphanet 154, Orphanet 54260, MedGen C3715165, MONDO:0014163, OMIM 615396.
Arrhythmogenic right ventricular cardiomyopathy (ARVD). Also called: Cardiomyopathy, ARVC; Arrhythmogenic right ventricular dysplasia; Arrhythmogenic cardiomyopathy; Arrhythmogenic Right Ventricular Cardiomyopathy (ARVC). Identifiers: Orphanet 247, MedGen C0349788, MeSH D019571, MONDO:0016587. Disease mechanism: loss of function. Inheritance: Various modes of inheritance.
Cardiomyopathy (CMYO). Also called: Cardiomyopathies. Identifiers: Orphanet 167848, MedGen C0878544, MONDO:0004994, HP:0001638. Inheritance: Various modes of inheritance.
Primary familial hypertrophic cardiomyopathy (HCM). Identifiers: Orphanet 99739, MedGen C0949658, MeSH D024741, MONDO:0024573. Inheritance: Various modes of inheritance.
Hypertrophic cardiomyopathy 4. Also called: Familial hypertrophic cardiomyopathy 4. Identifiers: MedGen C1861862, MONDO:0007268, OMIM 115197.
Hypertrophic cardiomyopathy. Also called: HYPERTROPHIC MYOCARDIOPATHY. Identifiers: Orphanet 217569, MedGen C0007194, MeSH D002312, MONDO:0005045, HP:0001639.

Submissions (12):

North West Genomic Laboratory Hub, Manchester University NHS Foundation Trust
Classification: Pathogenic for Sudden unexplained death or survivors of a cardiac event. Last evaluated: 2025-12-31. Review status: criteria provided, single submitter. Criteria: ACGS Best Practice Guidelines for Variant Classification in Rare Disease 2024. Collection method: clinical testing. Allele origin: germline. Affected: yes.
Comment: PM2_Mod PVS1_VStr PS4_Mod

Labcorp Genetics (formerly Invitae), Labcorp
Classification: Pathogenic for Hypertrophic cardiomyopathy. Last evaluated: 2025-11-23. Review status: criteria provided, single submitter. Criteria: Invitae Variant Classification Sherloc (09022015). Collection method: clinical testing. Allele origin: germline.
Comment: This sequence change creates a premature translational stop signal (p.Glu60Alafs*49) in the MYBPC3 gene. It is expected to result in an absent or disrupted protein product. Loss-of-function variants in MYBPC3 are known to be pathogenic (PMID: 19574547). This variant is not present in population databases (gnomAD no frequency). This premature translational stop signal has been observed in individual(s) with dilated cardiomyopathy (PMID: 20474083). ClinVar contains an entry for this variant (Variation ID: 42565). For these reasons, this variant has been classified as Pathogenic.

Ambry Genetics
Classification: Pathogenic for Cardiovascular phenotype. Last evaluated: 2024-12-23. Review status: criteria provided, single submitter. Criteria: Ambry Variant Classification Scheme 2023. Collection method: clinical testing. Allele origin: germline.
Comment: The c.177_187del11 pathogenic mutation, located in coding exon 2 of the MYBPC3 gene, results from a deletion of 11 nucleotides at nucleotide positions 177 to 187, causing a translational frameshift with a predicted alternate stop codon (p.E60Afs*49). This variant was reported in individual(s) with features consistent with hypertrophic cardiomyopathy (Van Driest SL et al. J Am Coll Cardiol, 2004 Nov;44:1903-10; Zimmerman RS et al. Genet Med, 2010 May;12:268-78; Valente AM et al. Circ Cardiovasc Genet, 2013 Jun;6:230-7; Kapplinger JD et al. J Cardiovasc Transl Res, 2014 Apr;7:347-61; Ho CY et al. JACC Heart Fail, 2015 Feb;3:180-8; Murphy SL et al. J Cardiovasc Transl Res, 2016 Apr;9:153-61; Ross SB et al. Circ Cardiovasc Genet, 2017 Jun;10; Walsh R et al. Genet Med, 2017 02;19:192-203; Lahrouchi N et al. Eur J Hum Genet, 2020 01;28:17-22). This variant is considered to be rare based on population cohorts in the Genome Aggregation Database (gnomAD). This alteration is expected to result in loss of function by premature protein truncation or nonsense-mediated mRNA decay. As such, this alteration is interpreted as a disease-causing mutation.

Genetics and Molecular Pathology, SA Pathology
Classification: Pathogenic for Arrhythmogenic right ventricular cardiomyopathy. Last evaluated: 2022-09-06. Review status: criteria provided, single submitter. Criteria: ACMG Guidelines, 2015. Collection method: clinical testing. Allele origin: germline. Affected: yes.

GeneDx
Classification: Pathogenic. Last evaluated: 2022-05-03. Review status: criteria provided, single submitter. Criteria: GeneDx Variant Classification Process June 2021. Collection method: clinical testing. Allele origin: germline. Affected: yes.
Comment: Not observed in large population cohorts (gnomAD); Frameshift variant predicted to result in protein truncation and nonsense mediated decay in a gene for which loss-of-function is a known mechanism of disease; This variant is associated with the following publications: (PMID: 20474083, 25228707, 25611685, 26914223, 27532257, 28790153, 23690394, 24510615, 21943931, 21415409, 25543971)

Women's Health and Genetics/Laboratory Corporation of America, LabCorp
Classification: Pathogenic for Primary familial hypertrophic cardiomyopathy. Last evaluated: 2022-04-05. Review status: criteria provided, single submitter. Criteria: LabCorp Variant Classification Summary - May 2015. Collection method: clinical testing. Allele origin: germline.
Comment: Variant summary: MYBPC3 c.177_187del11 (p.Glu60AlafsX49) results in a premature termination codon, predicted to cause a truncation of the encoded protein or absence of the protein due to nonsense mediated decay, which are commonly known mechanisms for disease. Truncations downstream of this position have been classified as pathogenic by our laboratory. The variant was absent in 226260 control chromosomes. c.177_187del11 has been reported in the literature in multiple individuals affected with Hypertrophic Cardiomyopathy. These data indicate that the variant is very likely to be associated with disease. To our knowledge, no experimental evidence demonstrating an impact on protein function has been reported. Nine clinical diagnostic laboratories have submitted clinical-significance assessments for this variant to ClinVar after 2014 without evidence for independent evaluation. All laboratories classified the variant as pathogenic/likely pathogenic. Based on the evidence outlined above, the variant was classified as pathogenic.

CHEO Genetics Diagnostic Laboratory, Children's Hospital of Eastern Ontario
Classification: Pathogenic for Cardiomyopathy. Last evaluated: 2020-07-07. Review status: criteria provided, single submitter. Criteria: ACMG Guidelines, 2015. Collection method: clinical testing. Allele origin: germline.

Color Diagnostics, LLC DBA Color Health
Classification: Pathogenic for Cardiomyopathy. Last evaluated: 2019-10-28. Review status: criteria provided, single submitter. Criteria: ACMG Guidelines, 2015. Collection method: clinical testing. Allele origin: germline.
Comment: This variant deletes 11 nucleotides in exon 2 of the MYBPC3 gene, creating a frameshift and premature translation stop signal. This variant is expected to result in an absent or non-functional protein product. Splice site prediction tools suggest that this variant may not impact RNA splicing. To our knowledge, functional studies have not been performed for this variant. This variant has been reported in over ten individuals affected with hypertrophic cardiomyopathy (PMID: 23690394, 24510615, 25543971, 25611685, 26914223, 27532257). This variant has not been identified in the general population by the Genome Aggregation Database (gnomAD). Loss of MYBPC3 function is a known mechanism of disease. Based on the available evidence, this variant is classified as Pathogenic.

Human Genome Sequencing Center Clinical Lab, Baylor College of Medicine
Classification: Pathogenic for Familial hypertrophic cardiomyopathy 4. Last evaluated: 2019-02-21. Review status: criteria provided, single submitter. Criteria: ACMG Guidelines, 2015. Collection method: clinical testing. Allele origin: germline.
Comment: The c.177_187del (p.Glu60Alafs*49) variant in the MYBPC3 gene is predicted to introduce a premature translational termination codon. This variant has been reported in multiple individuals affected with HCM, DCM or ARVC (PMID 20474083, 24510615, 25611685, 26914223,27532257) and has never been reported in general population databases. Therefore, this c.177_187del (p.Glu60Alafs*49) variant in the MYBPC3 gene is classified as pathogenic.

Laboratory for Molecular Medicine, Mass General Brigham Personalized Medicine
Classification: Pathogenic for Hypertrophic cardiomyopathy. Last evaluated: 2019-02-01. Review status: criteria provided, single submitter. Criteria: LMM Criteria. Collection method: clinical testing. Allele origin: germline. Inheritance: Autosomal dominant inheritance. Observed: 16 variant alleles.
Comment: The p.Glu60AlafsX49 variant in MYBPC3 has been reported in 9 individuals with HCM (7 individuals: Zimmerman 2010, Alfares 2015, Walsh 2016; 1 individual: Burns 2016; 1 individual: Murphy 2017) and segregated with disease in 1 affected (LMM data). It was absent from large population studies. This variant has also been reported in ClinVar (Variation ID 42565). This variant is predicted to cause a frameshift, which alters the proteinâ€™s amino acid sequence beginning at position 60 and leads to a premature termination codon 49 amino acids downstream. This alteration is then predicted to lead to a truncated or absent protein. Loss of function of the MYBPC3 gene is an established disease mechanism in HCM. In summary, this variant meets criteria to be classified as pathogenic for autosomal dominant HCM. ACMG/AMP criteria applied: PVS1, PM2, PS4_Moderate.

Heart Center, Academic Medical Center Amsterdam
Classification: Likely pathogenic for Left ventricular noncompaction 10. Last evaluated: 2018-12-01. Review status: criteria provided, single submitter. Criteria: ACMG Guidelines, 2015. Collection method: research. Allele origin: unknown. Affected: yes.

Agnes Ginges Centre for Molecular Cardiology, Centenary Institute
Classification: Pathogenic for Hypertrophic cardiomyopathy. Last evaluated: 2015-07-01. Review status: no assertion criteria provided. Collection method: research. Allele origin: germline. Inheritance: Autosomal dominant inheritance. Affected: yes. Not counted in ClinVar's aggregate classification.
Comment: MYBPC3 Glu60Alafs*49 has been observed previously >10 probands with HCM (Walsh et al., 2017; Kapplinger et al., 2014) and has also been reported in a DCM case (Zimmerman et al, 2010). It is absent in the Genome Aggregation Database. Based on the adapted ACMG guidelines (Kelly MA, et al., 2018) this variant results in loss of function of MYBPC3 (PVS1), has been seen reported in more than 10 unrelated HCM probands (PS4) and is rare in the general population (PM2), therefore we classify MYBPC3 Glu60Alafs*49 as "Pathogenic".

Literature cited by the submitters: PubMed 19574547 (cited by Labcorp Genetics (formerly Invitae), Labcorp); PubMed 20474083 (cited by 4 submitters); PubMed 15519027 (cited by Ambry Genetics and Agnes Ginges Centre for Molecular Cardiology, Centenary Institute); PubMed 23690394 (cited by Ambry Genetics and Agnes Ginges Centre for Molecular Cardiology, Centenary Institute); PubMed 24510615 (cited by 3 submitters); PubMed 25543971 (cited by Ambry Genetics and Agnes Ginges Centre for Molecular Cardiology, Centenary Institute); PubMed 25611685 (cited by Ambry Genetics and Agnes Ginges Centre for Molecular Cardiology, Centenary Institute); PubMed 26914223 (cited by Ambry Genetics); PubMed 27532257 (cited by Ambry Genetics and Agnes Ginges Centre for Molecular Cardiology, Centenary Institute); PubMed 28615295 (cited by Ambry Genetics); PubMed 31534214 (cited by Ambry Genetics); PubMed 28408708 (cited by Agnes Ginges Centre for Molecular Cardiology, Centenary Institute).